The following is an entry in ClinVar:

ClinVar aggregate classification (germline): Uncertain significance (1 of 4 stars; one submission).

Conditions:
Multiple gastrointestinal atresias. Also called: Multiple intestinal atresia; FAMILIAL INTESTINAL POLYATRESIA SYNDROME. Identifiers: Orphanet 2300, MedGen C0220744, MONDO:0009465.

Submission:

Labcorp Genetics (formerly Invitae), Labcorp
Classification: Uncertain significance for Multiple gastrointestinal atresias. Last evaluated: 2022-08-23. Review status: criteria provided, single submitter. Criteria: Invitae Variant Classification Sherloc (09022015). Collection method: clinical testing. Allele origin: germline.
Comment: ClinVar contains an entry for this variant (Variation ID: 942907). This variant has not been reported in the literature in individuals affected with TTC7A-related conditions. This variant is not present in population databases (gnomAD no frequency). This sequence change replaces aspartic acid, which is acidic and polar, with asparagine, which is neutral and polar, at codon 834 of the TTC7A protein (p.Asp834Asn). Algorithms developed to predict the effect of missense changes on protein structure and function are either unavailable or do not agree on the potential impact of this missense change (SIFT: "Deleterious"; PolyPhen-2: "Possibly Damaging"; Align-GVGD: "Class C0"). In summary, the available evidence is currently insufficient to determine the role of this variant in disease. Therefore, it has been classified as a Variant of Uncertain Significance.

NM_020458.4(TTC7A):c.2500G>A (p.Asp834Asn)

Gene: TTC7A (tetratricopeptide repeat domain 7A; plus strand). Cytogenetic location: 2p21.
Variant type: single nucleotide variant.
Coding change: c.2500G>A on transcript NM_020458.4 (MANE Select); coding-DNA position 2500, G replaced by A.
Protein change: p.Asp834Asn; replaces aspartic acid 834 with asparagine.
Molecular consequence: missense variant.
Genome position (GRCh38, 1-based): chr2:47,073,846, G>A. VCF-style: chr2-47073846-G-A. GRCh37 (hg19) VCF-style: chr2-47300985-G-A.
Other names: c.2572G>A, p.Asp858Asn (NM_001288951.2); c.2398G>A, p.Asp800Asn (NM_001288953.2); c.1438G>A, p.Asp480Asn (NM_001288955.2); short protein forms D800N, D480N, D834N, D858N.
Identifiers: ClinVar variation 942907 (VCV000942907.10), dbSNP rs1458273923, ClinGen allele CA346718060.